The following is an entry in ClinVar:

ClinVar aggregate classification (germline): Uncertain significance. Review status: criteria provided, multiple submitters, no conflicts (2 of 4 stars). 2 submissions from 2 submitters: Uncertain significance (2). Last evaluated 2025-07-31.

Conditions:
Hereditary spastic paraplegia 47. Also called: Spastic paraplegia 47, autosomal recessive; adaptor protein 4 (AP-4) deficiency syndrome; CEREBRAL PALSY, SPASTIC QUADRIPLEGIC, 5. Identifiers: Orphanet 280763, MedGen C3279738, MONDO:0013551, OMIM 614066.
Inborn genetic diseases. Identifiers: MedGen C0950123, MeSH D030342.

Allele frequency attached by ClinVar (database versions not stated): gnomAD exomes below 0.00001; gnomAD 0.00002; TOPMed 0.00002.
gnomAD v4.1: 12 of 1,614,058 alleles (0.00074%); highest among the groups gnomAD compares: Admixed American, 0.005%; no homozygotes.

Submissions (2):

Ambry Genetics
Classification: Uncertain significance for Inborn genetic diseases. Last evaluated: 2025-07-31. Review status: criteria provided, single submitter. Criteria: Ambry Variant Classification Scheme 2023. Collection method: clinical testing. Allele origin: germline.

Labcorp Genetics (formerly Invitae), Labcorp
Classification: Uncertain significance for Hereditary spastic paraplegia 47. Last evaluated: 2022-07-19. Review status: criteria provided, single submitter. Criteria: Invitae Variant Classification Sherloc (09022015). Collection method: clinical testing. Allele origin: germline.
Comment: This sequence change replaces proline, which is neutral and non-polar, with threonine, which is neutral and polar, at codon 548 of the AP4B1 protein (p.Pro548Thr). This variant is not present in population databases (gnomAD no frequency). This variant has not been reported in the literature in individuals affected with AP4B1-related conditions. ClinVar contains an entry for this variant (Variation ID: 1416649). Algorithms developed to predict the effect of missense changes on protein structure and function (SIFT, PolyPhen-2, Align-GVGD) all suggest that this variant is likely to be tolerated. In summary, the available evidence is currently insufficient to determine the role of this variant in disease. Therefore, it has been classified as a Variant of Uncertain Significance.

NM_001253852.3(AP4B1):c.1642C>A (p.Pro548Thr)

Genes: AP4B1 (adaptor related protein complex 4 subunit beta 1; minus strand), AP4B1-AS1 (AP4B1 antisense RNA 1; plus strand). Cytogenetic location: 1p13.2.
Variant type: single nucleotide variant.
Coding change: c.1642C>A on transcript NM_001253852.3 (MANE Select); coding-DNA position 1642, C replaced by A.
Protein change: p.Pro548Thr; replaces proline 548 with threonine.
Molecular consequence: missense variant.
Genome position (GRCh38, 1-based): chr1:113,895,907, G>T on the plus strand (C>A on the coding strand, the complement: AP4B1 is on the minus strand). VCF-style: chr1-113895907-G-T. GRCh37 (hg19) VCF-style: chr1-114438529-G-T.
Other names: c.1345C>A, p.Pro449Thr (NM_001253853.3); c.1138C>A, p.Pro380Thr (NM_001308312.2); c.1642C>A, p.Pro548Thr (NM_006594.5); c.1642C>A (NM_006594.2); short protein forms P380T, P449T, P548T.
Identifiers: ClinVar variation 1416649 (VCV001416649.4), dbSNP rs866175993, ClinGen allele CA28995140.